The following is an entry in ClinVar:

NM_174878.3(CLRN1):c.*1090G>A

Gene: CLRN1 (clarin 1; minus strand). Cytogenetic location: 3q25.1.
Variant type: single nucleotide variant.
Coding change: c.*1090G>A on transcript NM_174878.3 (MANE Select); 1090 bases downstream of the stop codon, G replaced by A.
Molecular consequence: 3 prime UTR variant. On other transcripts: non-coding transcript variant (1).
Genome position (GRCh38, 1-based): chr3:150,926,846, C>T on the plus strand (G>A on the coding strand, the complement: CLRN1 is on the minus strand). VCF-style: chr3-150926846-C-T. GRCh37 (hg19) VCF-style: chr3-150644633-C-T.
Other names: c.*1090G>A (NM_001195794.1); c.*1403G>A (NM_001256819.2); c.*6G>A (NM_052995.2).
Identifiers: ClinVar variation 4983810 (VCV004983810.1).

ClinVar aggregate classification (germline): Likely benign (1 of 4 stars; one submission).

Conditions:
CLRN1-related disorder. Also called: CLRN1-related condition.

Submission:

PreventionGenetics, part of Exact Sciences
Classification: Likely benign for CLRN1-related condition. Last evaluated: 2026-07-16. Review status: criteria provided, single submitter. Criteria: ACMG Guidelines, 2015. Collection method: clinical testing. Allele origin: germline.
Comment: This variant is classified as likely benign based on ACMG/AMP sequence variant interpretation guidelines (Richards et al. 2015 PMID: 25741868, with internal and published modifications).